The following is an entry in ClinVar:

ClinVar aggregate classification (germline): Benign/Likely benign. Review status: criteria provided, multiple submitters, no conflicts (2 of 4 stars). 18 submissions from 17 submitters: Benign (6); Likely benign (12). Last evaluated 2026-09-01.

Conditions:
Dilated cardiomyopathy 1G (CMD1G). Identifiers: Orphanet 154, MedGen C1858763, MONDO:0011400, OMIM 604145.
Autosomal recessive limb-girdle muscular dystrophy type 2J (LGMDR10). Also called: MUSCULAR DYSTROPHY, LIMB-GIRDLE, AUTOSOMAL RECESSIVE 10; Limb-girdle muscular dystrophy, type 2J. Identifiers: Orphanet 140922, MedGen C1837342, MONDO:0012127, OMIM 608807.
Cardiovascular phenotype. Identifiers: MedGen CN230736.
Cardiomyopathy (CMYO). Also called: Cardiomyopathies. Identifiers: Orphanet 167848, MedGen C0878544, MONDO:0004994, HP:0001638. Inheritance: Various modes of inheritance.
Myopathy, myofibrillar, 9, with early respiratory failure (MFM9). Also called: Myopathy, distal, with early respiratory failure, autosomal dominant; Hereditary myopathy with early respiratory failure; MYOPATHY, PROXIMAL, WITH EARLY RESPIRATORY MUSCLE INVOLVEMENT; EDSTROM MYOPATHY. Identifiers: Orphanet 178464, Orphanet 34521, MedGen C1863599, MONDO:0011362, OMIM 603689.
Tibial muscular dystrophy (TMD). Also called: Udd Distal Myopathy – Tibial Muscular Dystrophy; Tibial muscular dystrophy, tardive; UDD MYOPATHY. Identifiers: Orphanet 609, MedGen C1838244, MONDO:0010870, OMIM 600334.

Allele frequency attached by ClinVar (database versions not stated): 1000 Genomes Project 0.00160; ESP Exome Variant Server 0.00371; 1000 Genomes Project 30x 0.00203; TOPMed 0.00319.
gnomAD v4.1: 4,212 of 1,546,330 alleles (0.27%); highest among the groups gnomAD compares: African/African-American, 0.45%; 5 homozygotes.

Submissions (18):

CeGaT Center for Human Genetics Tuebingen
Classification: Likely benign. Last evaluated: 2026-09-01. Review status: criteria provided, single submitter. Criteria: CeGaT Center For Human Genetics Tuebingen Variant Classification Criteria Version 2. Collection method: clinical testing. Allele origin: germline. Affected: yes. Observed: 29 variant alleles.
Comment: TTN: BS1

Labcorp Genetics (formerly Invitae), Labcorp
Classification: Benign for Dilated cardiomyopathy 1G; Autosomal recessive limb-girdle muscular dystrophy type 2J. Last evaluated: 2026-02-03. Review status: criteria provided, single submitter. Criteria: Invitae Variant Classification Sherloc (09022015). Collection method: clinical testing. Allele origin: germline.

Mayo Clinic Laboratories, Mayo Clinic
Classification: Likely benign. Last evaluated: 2025-06-23. Review status: criteria provided, single submitter. Criteria: ACMG Guidelines, 2015. Collection method: clinical testing. Allele origin: germline. Observed: 9 variant alleles.
Comment: BS1, BP4

Molecular Diagnostic Laboratory for Inherited Cardiovascular Disease, Montreal Heart Institute
Classification: Likely benign. Last evaluated: 2025-04-09. Review status: criteria provided, single submitter. Criteria: ACMG Guidelines, 2015. Collection method: clinical testing. Allele origin: germline. Affected: no.

ARUP Laboratories, Molecular Genetics and Genomics, ARUP Laboratories
Classification: Likely benign. Last evaluated: 2025-03-26. Review status: criteria provided, single submitter. Criteria: ARUP Molecular Germline Variant Investigation Process 2024. Collection method: clinical testing. Allele origin: germline.

Blueprint Genetics
Classification: Likely benign. Last evaluated: 2024-11-26. Review status: criteria provided, single submitter. Criteria: ACMG Guidelines, 2015. Collection method: clinical testing. Allele origin: germline.

Athena Diagnostics
Classification: Benign. Last evaluated: 2021-03-19. Review status: criteria provided, single submitter. Criteria: Athena Diagnostics criteria. Collection method: clinical testing. Allele origin: unknown.

Women's Health and Genetics/Laboratory Corporation of America, LabCorp
Classification: Likely benign. Last evaluated: 2020-10-08. Review status: criteria provided, single submitter. Criteria: LabCorp Variant Classification Summary - May 2015. Collection method: clinical testing. Allele origin: germline.
Comment: Variant summary: TTN c.90056G>A (p.Arg30019His) results in a non-conservative amino acid change located in the A- band region of the encoded protein sequence. Three of five in-silico tools predict a damaging effect of the variant on protein function. The variant allele was found at a frequency of 0.0017 in 167792 control chromosomes. The observed variant frequency is approximately 4.4- fold the estimated maximal expected allele frequency for a pathogenic variant in TTN causing Dilated Cardiomyopathy phenotype (0.00039), strongly suggesting that the variant is benign. c.90056G>A has been reported in the literature in at least one individual affected with Dilated Cardiomyopathy without strong evidence for causality (e.g. Headrick_2018). This report does not provide unequivocal conclusions about association of the variant with Dilated Cardiomyopathy. To our knowledge, no experimental evidence demonstrating an impact on protein function has been reported. 11 clinical diagnostic laboratories have submitted clinical-significance assessments for this variant to ClinVar after 2014 without evidence for independent evaluation. Multiple laboratories reported the variant with conflicting assessments (uncetain significance, n=3; benign/likely benign, n=8). Based on the evidence outlined above, the variant was classified as likely benign.

GeneDx
Classification: Benign. Last evaluated: 2020-06-03. Review status: criteria provided, single submitter. Criteria: GeneDx Variant Classification Process June 2021. Collection method: clinical testing. Allele origin: germline. Affected: yes.
Comment: This variant is associated with the following publications: (PMID: 18948003, 1745277, 12669942, 23861362, 24105469, 24395473, 21810661, 22335739, 23418287, 23518707, 21617319, 10462489, 11717165, 12145747, 17444505)

CHEO Genetics Diagnostic Laboratory, Children's Hospital of Eastern Ontario
Classification: Benign for Cardiomyopathy. Last evaluated: 2020-01-27. Review status: criteria provided, single submitter. Criteria: ACMG Guidelines, 2015. Collection method: clinical testing. Allele origin: germline.

Ambry Genetics
Classification: Likely benign for Cardiovascular phenotype. Last evaluated: 2018-06-01. Review status: criteria provided, single submitter. Criteria: Ambry Variant Classification Scheme 2023. Collection method: clinical testing. Allele origin: germline.

Center for Advanced Laboratory Medicine, UC San Diego Health, University of California San Diego
Classification: Likely benign for Cardiomyopathy. Last evaluated: 2017-12-06. Review status: criteria provided, single submitter. Criteria: ACMG Guidelines, 2015. Collection method: clinical testing. Allele origin: germline. Affected: yes. Observed: 2 variant alleles.

Illumina Laboratory Services, Illumina
Classification: Benign for Myopathy, myofibrillar, 9, with early respiratory failure. Last evaluated: 2017-07-25. Review status: criteria provided, single submitter. Criteria: ICSL Variant Classification Criteria 13 December 2019. Collection method: clinical testing. Allele origin: germline.
Comment: This variant was observed as part of a predisposition screen in an ostensibly healthy population. A literature search was performed for the gene, cDNA change, and amino acid change (where applicable). No publications were found based on this search. Allele frequency data from public databases was too high to be consistent with this variant causing disease. Therefore, this variant is classified as benign.

Illumina Laboratory Services, Illumina
Classification: Benign for Tibial muscular dystrophy. Last evaluated: 2017-07-25. Review status: criteria provided, single submitter. Criteria: ICSL Variant Classification Criteria 13 December 2019. Collection method: clinical testing. Allele origin: germline.
Comment: the same text as in the submission from Illumina Laboratory Services, Illumina above.

Center for Pediatric Genomic Medicine, Children's Mercy Hospital and Clinics
Classification: Likely benign. Last evaluated: 2017-06-15. Review status: criteria provided, single submitter. Criteria: ACMG Guidelines, 2015. Collection method: clinical testing. Allele origin: germline.

Laboratory for Molecular Medicine, Mass General Brigham Personalized Medicine
Classification: Likely benign. Last evaluated: 2015-09-14. Review status: criteria provided, single submitter. Criteria: LMM Criteria. Collection method: clinical testing. Allele origin: germline. Observed: 13 variant alleles.
Comment: p.Arg30019His in exon 299 of TTN: This variant is not expected to have clinical significance because it has been identified in 0.5% (61/10980) of European chrom osomes by the Exome Aggregation Consortium (ExAC ; dbSNP rs55704830).

Eurofins Ntd Llc (ga)
Classification: Likely benign. Last evaluated: 2015-07-30. Review status: criteria provided, single submitter. Criteria: EGL Classification Definitions 2015. Collection method: clinical testing. Allele origin: germline. Observed: 1 variant allele, 1 heterozygote.

Biesecker Lab/Clinical Genomics Section, National Institutes of Health
Classification: Likely benign. Last evaluated: 2013-06-24. Review status: criteria provided, single submitter. Criteria: Ng et al. (Circ Cardiovasc Genet. 2013). Collection method: research. Allele origin: unknown. Observed: 4 variant alleles. Study: ClinSeq.
Comment: The study set was not selected for affection status in relation to any cancer. Pathogenicity categories were based on literature curation. See Pubmed ID:23861362 for details.

Medical sequencing

Literature cited by the submitters: PubMed 30985088 (cited by Women's Health and Genetics/Laboratory Corporation of America, LabCorp); PubMed 31795264 (cited by Women's Health and Genetics/Laboratory Corporation of America, LabCorp).

NM_001267550.2(TTN):c.97760G>A (p.Arg32587His)

Genes: TTN (titin; minus strand), TTN-AS1 (TTN antisense RNA 1; plus strand). Cytogenetic location: 2q31.2.
Variant type: single nucleotide variant.
Coding change: c.97760G>A on transcript NM_001267550.2 (MANE Select); coding-DNA position 97760, G replaced by A.
Protein change: p.Arg32587His; replaces arginine 32587 with histidine.
Molecular consequence: missense variant.
Genome position (GRCh38, 1-based): chr2:178,541,317, C>T on the plus strand (G>A on the coding strand, the complement: TTN is on the minus strand). VCF-style: chr2-178541317-C-T. GRCh37 (hg19) VCF-style: chr2-179406044-C-T.
Other names: p.R30946H:CGT>CAT; p.Arg30946His; c.92837G>A, p.Arg30946His (NM_001256850.1); c.70565G>A, p.Arg23522His (NM_003319.4); c.90056G>A, p.Arg30019His (NM_133378.4); c.70940G>A, p.Arg23647His (NM_133432.3); c.71141G>A, p.Arg23714His (NM_133437.4); short protein forms R32587H, R30019H, R30946H, R23522H, R23714H, R23647H.
Identifiers: ClinVar variation 47588 (VCV000047588.82), dbSNP rs55704830, ClinGen allele CA141443.